The following is an entry in ClinVar:

ClinVar aggregate classification (germline): Likely pathogenic (1 of 4 stars; one submission).

Conditions:
Developmental delay, impaired speech, and behavioral abnormalities. Identifiers: MedGen C5561957, MONDO:0859178, OMIM 619475.

Submission:

Division Of Personalized Genomic Medicine, Columbia University Irving Medical Center
Classification: Likely pathogenic for Developmental delay, impaired speech, and behavioral abnormalities. Last evaluated: 2021-09-02. Review status: criteria provided, single submitter. Criteria: ACMG Guidelines, 2015. Collection method: clinical testing. Allele origin: de novo. Inheritance: Autosomal dominant inheritance. Affected: yes. Observed: 1 heterozygote.
Comment: The c.176C>T variant is a heterozygous single base pair substitution at nucleotide 176 in exon 3 of 36 of the SPTBN1 gene, resulting in a substitution of a highly conserved threonine at amino acid position 59 to a isoleucine (p.Thr59Ile). This variant is absent from the gnomAD database, indicating it is not a common benign occurrence in the populations represented in these databases. This variant is predicted to damage protein structure and/or function based on in silico algorithms (PolyPhen2, SIFT, DANN). The SPTBN1 gene encodes neuronal beta-II spectrin, the most abundant beta-spectrin in the brain and a subunit of spectrin. Spectrins are components of the cytoskeleton and allow proper localization of essential membrane proteins, signal transduction and cellular scaffolding through the binding of cytoskeletal elements and the plasma membrane (PMID: 33847457). The threonine at position 59 falls in the calponin homology domain 1 (CH1) conserved region, which is essential for proper interaction with actin (PMID: 34211179). Heterozygous pathogenic variants in SPTBN1 have recently been linked to developmental delay, impaired speech, and behavioral abnormalities. Both missense and truncating variants have been reported to be associated with this phenotype (PMIDs: 33847457, 34211179). Functional studies on the p.Thr59Ile variant were completed by Cousin et al (PMID: 34211179). In vitro functional expression studies in HEK293 cells transfected with the p.Thr59Ile variant demonstrated reduced protein levels relative to control. In addition, a cosedimentation assay demonstrated that the p.Thr59Ile variant reduced F-actin binding. Studies of cortical neurons derived from Sptbn1-null mice showed impaired organization of the axon initial segment (AIS) with reduced axonal growth, dendritic abnormalities, and aberrant lysosome dynamics. These defects could not be fully rescued by expression of the protein containing the p.Thr59Ile variant, suggesting pathogenicity.

Literature cited by the submitters: PubMed 33847457; PubMed 34211179.

NM_003128.3(SPTBN1):c.176C>T (p.Thr59Ile)

Gene: SPTBN1 (spectrin beta, non-erythrocytic 1; plus strand). Cytogenetic location: 2p16.2.
Variant type: single nucleotide variant.
Coding change: c.176C>T on transcript NM_003128.3 (MANE Select); coding-DNA position 176, C replaced by T.
Protein change: p.Thr59Ile; replaces threonine 59 with isoleucine.
Molecular consequence: missense variant.
Genome position (GRCh38, 1-based): chr2:54,599,119, C>T. VCF-style: chr2-54599119-C-T. GRCh37 (hg19) VCF-style: chr2-54826256-C-T.
Other names: c.137C>T, p.Thr46Ile (NM_178313.3); short protein forms T46I, T59I.
Identifiers: ClinVar variation 2674610 (VCV002674610.2), dbSNP rs2549468222, ClinGen allele CA346855192.